The following is an entry in ClinVar:

NM_015272.5(RPGRIP1L):c.2806A>G (p.Ile936Val)

Gene: RPGRIP1L (RPGRIP1 like; minus strand). Cytogenetic location: 16q12.2.
Variant type: single nucleotide variant.
Coding change: c.2806A>G on transcript NM_015272.5 (MANE Select); coding-DNA position 2806, A replaced by G.
Protein change: p.Ile936Val; replaces isoleucine 936 with valine.
Molecular consequence: missense variant.
Genome position (GRCh38, 1-based): chr16:53,641,353, T>C on the plus strand (A>G on the coding strand, the complement: RPGRIP1L is on the minus strand). VCF-style: chr16-53641353-T-C. GRCh37 (hg19) VCF-style: chr16-53675265-T-C.
Other names: c.2806A>G, p.Ile936Val (NM_001127897.4, NM_001308334.3, NM_001330538.2); c.2806A>G (NM_015272.4); short protein forms I936V.
Identifiers: ClinVar variation 666058 (VCV000666058.10), dbSNP rs763369161, ClinGen allele CA8057462.
Genomic context (GRCh38, chr16:53,641,353, plus strand): 5'-GTGTGCTAACAGAGGATGCTGGAGGAAGTCTTTGAACAACTTCTGGCTCTTCGCTGCGAA[T>C]GAAATTTCCTAAGTCTTCAGTTGTTATTGATCCACTTGGTGGAAGGTAAGCAAATTTCCA-3'
Protein context (NP_056087.2, residues 926-946): SITTEDLGNF[Ile936Val]RSEEPEVVQR

ClinVar aggregate classification (germline): Uncertain significance. Review status: criteria provided, multiple submitters, no conflicts (2 of 4 stars). 4 submissions from 4 submitters: Uncertain significance (4). Last evaluated 2026-09-09.

Conditions:
Meckel syndrome, type 5 (MKS5). Identifiers: Orphanet 564, MedGen C1969052, MONDO:0012695, OMIM 611561.
COACH syndrome 3. Identifiers: MedGen C5436841, MONDO:0030862, OMIM 619113.
Joubert syndrome 7 (JBTS7). Identifiers: Orphanet 220497, MedGen C1969053, MONDO:0012694, OMIM 611560.
Inborn genetic diseases. Identifiers: MedGen C0950123, MeSH D030342.
Joubert syndrome. Also called: Familial aplasia of the vermis; JOUBERT-BOLTSHAUSER SYNDROME. Identifiers: Orphanet 475, MedGen C5979921, MONDO:0018772.
Meckel-Gruber syndrome. Also called: DYSENCEPHALIA SPLANCHNOCYSTICA; GRUBER SYNDROME; Dysencephalia splachnocystica. Identifiers: Orphanet 564, MedGen C0265215, MONDO:0018921.
RPGRIP1L-related disorder. Also called: RPGRIP1L-related disorders; RPGRIP1L-related condition. Identifiers: MedGen CN239416.

Allele frequency attached by ClinVar (database versions not stated): gnomAD 0.00003; TOPMed 0.00004.
gnomAD v4.1: 13 of 1,614,018 alleles (0.00081%); highest among the groups gnomAD compares: African/African-American, 0.0093%; no homozygotes.

Submissions (4):

PreventionGenetics, part of Exact Sciences
Classification: Uncertain significance for RPGRIP1L-related condition. Last evaluated: 2026-09-09. Review status: criteria provided, single submitter. Criteria: ACMG Guidelines, 2015. Collection method: clinical testing. Allele origin: germline.
Comment: The RPGRIP1L c.2806A>G variant is predicted to result in the amino acid substitution p.Ile936Val. To our knowledge, this variant has not been reported in the literature. This variant is reported in 0.0080% of alleles in individuals of African descent in gnomAD. At this time, the clinical significance of this variant is uncertain due to the absence of conclusive functional and genetic evidence.

Labcorp Genetics (formerly Invitae), Labcorp
Classification: Uncertain significance for Joubert syndrome; Meckel-Gruber syndrome. Last evaluated: 2025-06-12. Review status: criteria provided, single submitter. Criteria: Invitae Variant Classification Sherloc (09022015). Collection method: clinical testing. Allele origin: germline.
Comment: This sequence change replaces isoleucine, which is neutral and non-polar, with valine, which is neutral and non-polar, at codon 936 of the RPGRIP1L protein (p.Ile936Val). This variant is present in population databases (rs763369161, gnomAD 0.008%). This variant has not been reported in the literature in individuals affected with RPGRIP1L-related conditions. ClinVar contains an entry for this variant (Variation ID: 666058). Invitae Evidence Modeling of protein sequence and biophysical properties (such as structural, functional, and spatial information, amino acid conservation, physicochemical variation, residue mobility, and thermodynamic stability) indicates that this missense variant is not expected to disrupt RPGRIP1L protein function with a negative predictive value of 80%. In summary, the available evidence is currently insufficient to determine the role of this variant in disease. Therefore, it has been classified as a Variant of Uncertain Significance.

Ambry Genetics
Classification: Uncertain significance for Inborn genetic diseases. Last evaluated: 2024-11-20. Review status: criteria provided, single submitter. Criteria: Ambry Variant Classification Scheme 2023. Collection method: clinical testing. Allele origin: germline.

Fulgent Genetics
Classification: Uncertain significance for Joubert syndrome 7; Meckel syndrome, type 5; COACH syndrome 3. Last evaluated: 2024-06-04. Review status: criteria provided, single submitter. Criteria: ACMG Guidelines, 2015. Collection method: clinical testing. Allele origin: germline.